The following is an entry in ClinVar:

NM_182972.3(IRF2BP2):c.1373C>T (p.Pro458Leu)

Gene: IRF2BP2 (interferon regulatory factor 2 binding protein 2; minus strand). Cytogenetic location: 1q42.3.
Variant type: single nucleotide variant.
Coding change: c.1373C>T on transcript NM_182972.3 (MANE Select); coding-DNA position 1373, C replaced by T.
Protein change: p.Pro458Leu; replaces proline 458 with leucine.
Molecular consequence: missense variant.
Genome position (GRCh38, 1-based): chr1:234,607,528, G>A on the plus strand (C>T on the coding strand, the complement: IRF2BP2 is on the minus strand). VCF-style: chr1-234607528-G-A. GRCh37 (hg19) VCF-style: chr1-234743274-G-A.
Other names: c.1325C>T, p.Pro442Leu (NM_001077397.1); short protein forms P442L, P458L.
Identifiers: ClinVar variation 1385016 (VCV001385016.6), dbSNP rs1672196369, ClinGen allele CA345305842.
Genomic context (GRCh38, chr1:234,607,528, plus strand): 5'-CCCTGGCCCCCCACCTCTCTGGGGCCCAGCCTTCTTTGGTTCATAGAGGACGGAGAGGGC[G>A]GACTGTTGCTATTCCTCCTGGTAGTGGAGTGAACCTGGTTGGCATCTTTTGAGGCATGAC-3'
Protein context (NP_892017.2, residues 448-468): HSTTRRNSNS[Pro458Leu]PSPSSMNQRR

ClinVar aggregate classification (germline): Uncertain significance (1 of 4 stars; one submission).

Allele frequency attached by ClinVar (database versions not stated): TOPMed below 0.00001.

Submission:

Labcorp Genetics (formerly Invitae), Labcorp
Classification: Uncertain significance. Last evaluated: 2021-10-07. Review status: criteria provided, single submitter. Criteria: Invitae Variant Classification Sherloc (09022015). Collection method: clinical testing. Allele origin: germline.
Comment: In summary, the available evidence is currently insufficient to determine the role of this variant in disease. Therefore, it has been classified as a Variant of Uncertain Significance. Algorithms developed to predict the effect of missense changes on protein structure and function are either unavailable or do not agree on the potential impact of this missense change (SIFT: "Deleterious"; PolyPhen-2: "Probably Damaging"; Align-GVGD: "Class C15"). This variant has not been reported in the literature in individuals affected with IRF2BP2-related conditions. This variant is not present in population databases (ExAC no frequency). This sequence change replaces proline with leucine at codon 458 of the IRF2BP2 protein (p.Pro458Leu). The proline residue is highly conserved and there is a moderate physicochemical difference between proline and leucine.